The following is an entry in ClinVar:

NM_004064.5(CDKN1B):c.211G>C (p.Glu71Gln)

Gene: CDKN1B (cyclin dependent kinase inhibitor 1B; plus strand). Cytogenetic location: 12p13.1.
Variant type: single nucleotide variant.
Coding change: c.211G>C on transcript NM_004064.5 (MANE Select); coding-DNA position 211, G replaced by C.
Protein change: p.Glu71Gln; replaces glutamic acid 71 with glutamine.
Molecular consequence: missense variant.
Genome position (GRCh38, 1-based): chr12:12,718,050, G>C. VCF-style: chr12-12718050-G-C. GRCh37 (hg19) VCF-style: chr12-12870984-G-C.
Other names: short protein forms E71Q.
Identifiers: ClinVar variation 536840 (VCV000536840.11), dbSNP rs1337857330, ClinGen allele CA383969528.

ClinVar aggregate classification (germline): Uncertain significance. Review status: criteria provided, multiple submitters, no conflicts (2 of 4 stars). 2 submissions from 2 submitters: Uncertain significance (2). Last evaluated 2026-01-27.

Conditions:
Multiple endocrine neoplasia type 4. Also called: MULTIPLE ENDOCRINE NEOPLASIA, TYPE IV. Identifiers: Orphanet 276152, MedGen C1970712, MONDO:0012552, OMIM 610755.
Hereditary cancer-predisposing syndrome. Also called: Neoplastic Syndromes, Hereditary; Tumor predisposition; Hereditary Cancer Syndrome; Hereditary neoplastic syndrome. Identifiers: Orphanet 140162, MedGen C0027672, MeSH D009386, MONDO:0015356.

Allele frequency attached by ClinVar (database versions not stated): gnomAD 0.00001; TOPMed 0.00001.
gnomAD v4.1: 3 of 1,614,128 alleles (0.00019%); highest among the groups gnomAD compares: East Asian, 0.0045%; no homozygotes.

Submissions (2):

Labcorp Genetics (formerly Invitae), Labcorp
Classification: Uncertain significance for Multiple endocrine neoplasia type 4. Last evaluated: 2026-01-27. Review status: criteria provided, single submitter. Criteria: Invitae Variant Classification Sherloc (09022015). Collection method: clinical testing. Allele origin: germline.
Comment: This sequence change replaces glutamic acid, which is acidic and polar, with glutamine, which is neutral and polar, at codon 71 of the CDKN1B protein (p.Glu71Gln). This variant is present in population databases (no rsID available, gnomAD 0.06%). This variant has not been reported in the literature in individuals affected with CDKN1B-related conditions. ClinVar contains an entry for this variant (Variation ID: 536840). An algorithm developed to predict the effect of missense changes on protein structure and function (PolyPhen-2) suggests that this variant is likely to be disruptive. In summary, the available evidence is currently insufficient to determine the role of this variant in disease. Therefore, it has been classified as a Variant of Uncertain Significance.

Ambry Genetics
Classification: Uncertain significance for Hereditary cancer-predisposing syndrome. Last evaluated: 2024-10-14. Review status: criteria provided, single submitter. Criteria: Ambry Variant Classification Scheme 2023. Collection method: clinical testing. Allele origin: germline.
Comment: The p.E71Q variant (also known as c.211G>C), located in coding exon 1 of the CDKN1B gene, results from a G to C substitution at nucleotide position 211. The glutamic acid at codon 71 is replaced by glutamine, an amino acid with highly similar properties. This amino acid position is well conserved in available vertebrate species. In addition, this alteration is predicted to be tolerated by in silico analysis. Since supporting evidence is limited at this time, the clinical significance of this alteration remains unclear.